The following is an entry in ClinVar:

ClinVar aggregate classification (germline): Uncertain significance (1 of 4 stars; one submission).

Allele frequency attached by ClinVar (database versions not stated): TOPMed below 0.00001.

Submission:

Labcorp Genetics (formerly Invitae), Labcorp
Classification: Uncertain significance. Last evaluated: 2024-05-20. Review status: criteria provided, single submitter. Criteria: Invitae Variant Classification Sherloc (09022015). Collection method: clinical testing. Allele origin: germline.
Comment: This sequence change replaces serine, which is neutral and polar, with threonine, which is neutral and polar, at codon 866 of the ROR2 protein (p.Ser866Thr). This variant is not present in population databases (gnomAD no frequency). This variant has not been reported in the literature in individuals affected with ROR2-related conditions. Advanced modeling of protein sequence and biophysical properties (such as structural, functional, and spatial information, amino acid conservation, physicochemical variation, residue mobility, and thermodynamic stability) performed at Invitae indicates that this missense variant is not expected to disrupt ROR2 protein function with a negative predictive value of 95%. In summary, the available evidence is currently insufficient to determine the role of this variant in disease. Therefore, it has been classified as a Variant of Uncertain Significance.

NM_004560.4(ROR2):c.2597G>C (p.Ser866Thr)

Gene: ROR2 (receptor tyrosine kinase like orphan receptor 2; minus strand). Cytogenetic location: 9q22.31.
Variant type: single nucleotide variant.
Coding change: c.2597G>C on transcript NM_004560.4 (MANE Select); coding-DNA position 2597, G replaced by C.
Protein change: p.Ser866Thr; replaces serine 866 with threonine.
Molecular consequence: missense variant.
Genome position (GRCh38, 1-based): chr9:91,723,897, C>G on the plus strand (G>C on the coding strand, the complement: ROR2 is on the minus strand). VCF-style: chr9-91723897-C-G. GRCh37 (hg19) VCF-style: chr9-94486179-C-G.
Other names: short protein forms S866T.
Identifiers: ClinVar variation 2748877 (VCV002748877.3), dbSNP rs1564226908, ClinGen allele CA373793578.